The following is an entry in ClinVar:

ClinVar aggregate classification (germline): Uncertain significance (1 of 4 stars; one submission).

Conditions:
Epilepsy, childhood absence 4 (ECA4). Also called: EPILEPSY, CHILDHOOD ABSENCE, SUSCEPTIBILITY TO, 4. Identifiers: Orphanet 307, MedGen C1970160.
Epilepsy, idiopathic generalized, susceptibility to, 13. Also called: EPILEPSY, JUVENILE MYOCLONIC, SUSCEPTIBILITY TO, 5. Identifiers: Orphanet 307, Orphanet 64280, MedGen C4013473, MONDO:0012627, OMIM 611136.
Idiopathic generalized epilepsy. Also called: Generalised epilepsy; EIG. Identifiers: MedGen C0270850, MONDO:0005579, OMIM 600669.

Submission:

Labcorp Genetics (formerly Invitae), Labcorp
Classification: Uncertain significance for Epilepsy, childhood absence 4; Epilepsy, idiopathic generalized, susceptibility to, 13; Idiopathic generalized epilepsy. Last evaluated: 2023-09-12. Review status: criteria provided, single submitter. Criteria: Invitae Variant Classification Sherloc (09022015). Collection method: clinical testing. Allele origin: unknown.
Comment: A copy number gain of the genomic region encompassing the full coding sequence of the GABRA1 gene has been identified. The boundaries of this event are unknown as they extend beyond the assayed region for this gene and therefore may encompass additional genes. As the precise location of this event is unknown, it may be in tandem or it may be located elsewhere in the genome. This variant has not been reported in the literature in individuals affected with GABRA1-related conditions. In summary, the available evidence is currently insufficient to determine the role of this variant in disease. Therefore, it has been classified as a Variant of Uncertain Significance.

NC_000005.9:g.(?_160721088)_(161524884_?)dup

Genes: GABRA1 (gamma-aminobutyric acid type A receptor subunit alpha1; plus strand), GABRA6 (gamma-aminobutyric acid type A receptor subunit alpha6; plus strand), GABRB2 (gamma-aminobutyric acid type A receptor subunit beta2; minus strand), GABRG2 (gamma-aminobutyric acid type A receptor subunit gamma2; plus strand). Cytogenetic location: 5q34.
Variant type: Duplication.
Identifiers: ClinVar variation 3246369 (VCV003246369.1).